The following is an entry in ClinVar:

ClinVar aggregate classification (germline): Pathogenic (1 of 4 stars; one submission).

Conditions:
Aicardi-Goutieres syndrome 5. Identifiers: Orphanet 51, MedGen C2749659, MONDO:0013059, OMIM 612952.

Submission:

Labcorp Genetics (formerly Invitae), Labcorp
Classification: Pathogenic for Aicardi-Goutieres syndrome 5. Last evaluated: 2023-07-17. Review status: criteria provided, single submitter. Criteria: Invitae Variant Classification Sherloc (09022015). Collection method: clinical testing. Allele origin: unknown.
Comment: This variant is a gross deletion of the genomic region encompassing exon(s) 5 of the SAMHD1 gene. This deletion is out-of-frame, and is expected to create a premature termination codon and result in an absent or disrupted protein product. Loss-of-function variants in SAMHD1 are known to be pathogenic (PMID: 19525956, 22461318). A similar copy number variant has been observed in individual(s) with clinical features of SAMHD1-related conditions (PMID: 33967934). For these reasons, this variant has been classified as Pathogenic.

Literature cited by the submitters: PubMed 19525956; PubMed 22461318; PubMed 33967934.

NC_000020.10:g.(?_35559143)_(35559298_?)del

Gene: SAMHD1 (SAM and HD domain containing deoxynucleoside triphosphate triphosphohydrolase 1; minus strand). Cytogenetic location: 20q11.23.
Variant type: Deletion.
Identifiers: ClinVar variation 3248285 (VCV003248285.1).